The following is an entry in ClinVar:

ClinVar aggregate classification (germline): Uncertain significance (1 of 4 stars; one submission).

Allele frequency attached by ClinVar (database versions not stated): gnomAD exomes below 0.00001; 1000 Genomes Project 30x 0.00016; 1000 Genomes Project 0.00020.
gnomAD v4.1: 1 of 1,614,164 alleles (0.000062%); highest among the groups gnomAD compares: Non-Finnish European, 0.000085%; no homozygotes.

Submission:

GeneDx
Classification: Uncertain significance. Last evaluated: 2023-01-20. Review status: criteria provided, single submitter. Criteria: GeneDx Variant Classification Process June 2021. Collection method: clinical testing. Allele origin: germline. Affected: yes.
Comment: Not observed at significant frequency in large population cohorts (gnomAD); Occurs in the triple helical domain at the X position in the canonical Gly-X-Y repeat; although this variant may have an effect on normal protein folding and function, missense substitution at the X position is not a common mechanism of disease (HGMD); Has not been previously published as pathogenic or benign to our knowledge

NM_000089.4(COL1A2):c.1453G>A (p.Ala485Thr)

Gene: COL1A2 (collagen type I alpha 2 chain; plus strand). Cytogenetic location: 7q21.3.
Variant type: single nucleotide variant.
Coding change: c.1453G>A on transcript NM_000089.4 (MANE Select); coding-DNA position 1453, G replaced by A.
Protein change: p.Ala485Thr; replaces alanine 485 with threonine.
Molecular consequence: missense variant.
Genome position (GRCh38, 1-based): chr7:94,412,632, G>A. VCF-style: chr7-94412632-G-A. GRCh37 (hg19) VCF-style: chr7-94041944-G-A.
Other names: short protein forms A485T.
Identifiers: ClinVar variation 2573654 (VCV002573654.1), dbSNP rs200057029, ClinGen allele CA162925187.
Genomic context (GRCh38, chr7:94,412,632, plus strand): 5'-CTCTGCTTTCAGGGCCTCCCTGGCATCGACGGCAGGCCTGGCCCAATTGGCCCAGCTGGA[G>A]CAAGAGGAGAGCCTGGCAACATTGGATTCCCTGGACCCAAAGGCCCCACTGTAAGAATCA-3'
Protein context (NP_000080.2, residues 475-495): GRPGPIGPAG[Ala485Thr]RGEPGNIGFP